The following is an entry in ClinVar:

ClinVar aggregate classification (germline): Uncertain significance. Review status: criteria provided, multiple submitters, no conflicts (2 of 4 stars). 2 submissions from 2 submitters: Uncertain significance (2). Last evaluated 2022-11-06.

Conditions:
Cardiomyopathy (CMYO). Also called: Cardiomyopathies. Identifiers: Orphanet 167848, MedGen C0878544, MONDO:0004994, HP:0001638. Inheritance: Various modes of inheritance.
Catecholaminergic polymorphic ventricular tachycardia 1. Also called: VENTRICULAR TACHYCARDIA, CATECHOLAMINERGIC POLYMORPHIC, 1, WITH OR WITHOUT ATRIAL DYSFUNCTION AND/OR DILATED CARDIOMYOPATHY; RYR2-Related Catecholaminergic Polymorphic Ventricular Tachycardia; VENTRICULAR TACHYCARDIA, STRESS-INDUCED POLYMORPHIC 1. Identifiers: Orphanet 3286, MedGen C1631597, MONDO:0011484, OMIM 604772.

Allele frequency attached by ClinVar (database versions not stated): gnomAD exomes below 0.00001; ExAC 0.00001.
gnomAD v4.1: 2 of 1,613,930 alleles (0.00012%); highest among the groups gnomAD compares: Non-Finnish European, 0.00017%; no homozygotes.

Submissions (2):

Color Diagnostics, LLC DBA Color Health
Classification: Uncertain significance for Cardiomyopathy. Last evaluated: 2022-11-06. Review status: criteria provided, single submitter. Criteria: ACMG Guidelines, 2015. Collection method: clinical testing. Allele origin: germline.
Comment: This missense variant replaces valine with isoleucine at codon 2099 of the RYR2 protein. Computational prediction suggests that this variant may not impact protein structure and function (internally defined REVEL score threshold <= 0.5, PMID: 27666373). To our knowledge, functional studies have not been reported for this variant. This variant has not been reported in individuals affected with RYR2-related disorders in the literature. This variant has been identified in 1/249188 chromosomes in the general population by the Genome Aggregation Database (gnomAD). The available evidence is insufficient to determine the role of this variant in disease conclusively. Therefore, this variant is classified as a Variant of Uncertain Significance.

Labcorp Genetics (formerly Invitae), Labcorp
Classification: Uncertain significance for Catecholaminergic polymorphic ventricular tachycardia 1. Last evaluated: 2021-09-01. Review status: criteria provided, single submitter. Criteria: Invitae Variant Classification Sherloc (09022015). Collection method: clinical testing. Allele origin: germline.
Comment: This sequence change replaces valine with isoleucine at codon 2099 of the RYR2 protein (p.Val2099Ile). The valine residue is highly conserved and there is a small physicochemical difference between valine and isoleucine. This variant is present in population databases (rs767569006, ExAC 0.002%). This variant has not been reported in the literature in individuals affected with RYR2-related conditions. Algorithms developed to predict the effect of missense changes on protein structure and function output the following: SIFT: "Deleterious"; PolyPhen-2: "Benign"; Align-GVGD: "Class C25". The isoleucine amino acid residue is found in multiple mammalian species, which suggests that this missense change does not adversely affect protein function. In summary, the available evidence is currently insufficient to determine the role of this variant in disease. Therefore, it has been classified as a Variant of Uncertain Significance.

NM_001035.3(RYR2):c.6295G>A (p.Val2099Ile)

Gene: RYR2 (ryanodine receptor 2; plus strand). Cytogenetic location: 1q43.
Variant type: single nucleotide variant.
Coding change: c.6295G>A on transcript NM_001035.3 (MANE Select); coding-DNA position 6295, G replaced by A.
Protein change: p.Val2099Ile; replaces valine 2099 with isoleucine.
Molecular consequence: missense variant.
Genome position (GRCh38, 1-based): chr1:237,627,935, G>A. VCF-style: chr1-237627935-G-A. GRCh37 (hg19) VCF-style: chr1-237791235-G-A.
Other names: short protein forms V2099I.
Identifiers: ClinVar variation 998474 (VCV000998474.9), dbSNP rs767569006, ClinGen allele CA087087.